The following is an entry in ClinVar:

NM_138420.4(AHNAK2):c.6336C>G (p.Val2112=)

Gene: AHNAK2 (AHNAK nucleoprotein 2; minus strand). Cytogenetic location: 14q32.33.
Variant type: single nucleotide variant.
Coding change: c.6336C>G on transcript NM_138420.4 (MANE Select); coding-DNA position 6336, C replaced by G.
Protein change: p.Val2112=; no amino-acid change (valine 2112 retained).
Molecular consequence: synonymous variant.
Genome position (GRCh38, 1-based): chr14:104,949,115, G>C on the plus strand (C>G on the coding strand, the complement: AHNAK2 is on the minus strand). VCF-style: chr14-104949115-G-C. GRCh37 (hg19) VCF-style: chr14-105415452-G-C.
Other names: c.6036C>G, p.Val2012= (NM_001350929.2).
Identifiers: ClinVar variation 4821392 (VCV004821392.4).
Genomic context (GRCh38, chr14:104,949,115, plus strand): 5'-ACTATCCAGCTTGGCTCTTGGGGCCTGGACGTCCACCTCCATGCTGGGCAGAGACACCTC[G>C]ACATCGGGGACTCTCATTTCCACCTTGGGGTCTTTTAGGTCCAGTTTGGGGCCCTTGATG-3'
Protein context (NP_612429.2, residues 2102-2122): DPKVEMRVPD[Val2112=]EVSLPSMEVD

ClinVar aggregate classification (germline): Likely benign (1 of 4 stars; one submission).

Submission:

CeGaT Center for Human Genetics Tuebingen
Classification: Likely benign. Last evaluated: 2025-12-01. Review status: criteria provided, single submitter. Criteria: CeGaT Center For Human Genetics Tuebingen Variant Classification Criteria Version 2. Collection method: clinical testing. Allele origin: germline. Affected: yes. Observed: 1 variant allele.
Comment: AHNAK2: BP4, BP7